The following is an entry in ClinVar:

ClinVar aggregate classification (germline): Likely benign (1 of 4 stars; one submission).

gnomAD v4.1: 691 of 1,613,962 alleles (0.043%); highest among the groups gnomAD compares: South Asian, 0.71%; 7 homozygotes.

Submission:

CeGaT Center for Human Genetics Tuebingen
Classification: Likely benign. Last evaluated: 2025-07-01. Review status: criteria provided, single submitter. Criteria: CeGaT Center For Human Genetics Tuebingen Variant Classification Criteria Version 2. Collection method: clinical testing. Allele origin: germline. Affected: yes. Observed: 1 variant allele.
Comment: HECTD4: BP4, BS2

NM_001388303.1(HECTD4):c.6085A>G (p.Ile2029Val)

Gene: HECTD4 (HECT domain E3 ubiquitin protein ligase 4; minus strand). Cytogenetic location: 12q24.13.
Variant type: single nucleotide variant.
Coding change: c.6085A>G on transcript NM_001388303.1 (MANE Select); coding-DNA position 6085, A replaced by G.
Protein change: p.Ile2029Val; replaces isoleucine 2029 with valine.
Molecular consequence: missense variant.
Genome position (GRCh38, 1-based): chr12:112,231,628, T>C on the plus strand (A>G on the coding strand, the complement: HECTD4 is on the minus strand). VCF-style: chr12-112231628-T-C. GRCh37 (hg19) VCF-style: chr12-112669432-T-C.
Other names: c.6115A>G, p.Ile2039Val (NM_001109662.4); short protein forms I2029V, I2039V.
Identifiers: ClinVar variation 4084218 (VCV004084218.8).
Genomic context (GRCh38, chr12:112,231,628, plus strand): 5'-TGTCGCCTGTGGATAGTCCACTCACAGTCTCTGGGTTGATAGACTCTACAGGTGGCCCAA[T>C]GCTGACGATGAGGCCTGACTGTGCCCACTTGGTGGCTTTCCGCAGGGCGGCTGCAGCCTC-3'
Protein context (NP_001375232.1, residues 2019-2039): KWAQSGLIVS[Ile2029Val]GPPVESINPE